The following is an entry in ClinVar:

ClinVar aggregate classification (germline): Uncertain significance (1 of 4 stars; one submission).

Conditions:
Periodic fever-infantile enterocolitis-autoinflammatory syndrome. Also called: Autoinflammation with infantile enterocolitis. Identifiers: Orphanet 436166, MedGen C4015067, MONDO:0014472, OMIM 616050.
Familial cold autoinflammatory syndrome 4 (FCAS4). Identifiers: Orphanet 47045, Orphanet 576349, MedGen C4015276, MONDO:0014498, OMIM 616115.

Submission:

Labcorp Genetics (formerly Invitae), Labcorp
Classification: Uncertain significance for Periodic fever-infantile enterocolitis-autoinflammatory syndrome; Familial cold autoinflammatory syndrome 4. Last evaluated: 2025-10-20. Review status: criteria provided, single submitter. Criteria: Invitae Variant Classification Sherloc (09022015). Collection method: clinical testing. Allele origin: germline.
Comment: This sequence change creates a premature translational stop signal (p.Leu967*) in the NLRC4 gene. While this is not anticipated to result in nonsense mediated decay, it is expected to disrupt the last 58 amino acid(s) of the NLRC4 protein. This variant is not present in population databases (gnomAD no frequency). This variant has not been reported in the literature in individuals affected with NLRC4-related conditions. Experimental studies and prediction algorithms are not available or were not evaluated, and the functional significance of this variant is currently unknown. In summary, the available evidence is currently insufficient to determine the role of this variant in disease. Therefore, it has been classified as a Variant of Uncertain Significance.

NM_001199138.2(NLRC4):c.2900T>G (p.Leu967Ter)

Gene: NLRC4 (NLR family CARD domain containing 4; minus strand). Cytogenetic location: 2p22.3.
Variant type: single nucleotide variant.
Coding change: c.2900T>G on transcript NM_001199138.2 (MANE Select); coding-DNA position 2900, T replaced by G.
Protein change: p.Leu967Ter; replaces leucine 967 with a stop codon.
Molecular consequence: nonsense.
Genome position (GRCh38, 1-based): chr2:32,224,648, A>C on the plus strand (T>G on the coding strand, the complement: NLRC4 is on the minus strand). VCF-style: chr2-32224648-A-C. GRCh37 (hg19) VCF-style: chr2-32449717-A-C.
Other names: c.2900T>G, p.Leu967Ter (NM_001199139.2, NM_021209.5); c.905T>G, p.Leu302Ter (NM_001302504.2); short protein forms L967*, L302*.
Identifiers: ClinVar variation 4786378 (VCV004786378.1).